The following is an entry in ClinVar:

ClinVar aggregate classification (germline): Pathogenic (1 of 4 stars; one submission).

Conditions:
Hereditary cancer-predisposing syndrome. Also called: Neoplastic Syndromes, Hereditary; Tumor predisposition; Hereditary Cancer Syndrome; Hereditary neoplastic syndrome. Identifiers: Orphanet 140162, MedGen C0027672, MeSH D009386, MONDO:0015356.

Submission:

Ambry Genetics
Classification: Pathogenic for Hereditary cancer-predisposing syndrome. Last evaluated: 2022-02-14. Review status: criteria provided, single submitter. Criteria: Ambry Variant Classification Scheme 2023. Collection method: clinical testing. Allele origin: germline.
Comment: The c.208_209delGA pathogenic mutation, located in coding exon 3 of the PMS2 gene, results from a deletion of two nucleotides at nucleotide positions 208 to 209, causing a translational frameshift with a predicted alternate stop codon (p.D70Qfs*21). This alteration is expected to result in loss of function by premature protein truncation or nonsense-mediated mRNA decay. As such, this alteration is interpreted as a disease-causing mutation.

NM_000535.7(PMS2):c.208_209del (p.Asp70fs)

Gene: PMS2 (PMS1 homolog 2, mismatch repair system component; minus strand). Cytogenetic location: 7p22.1.
Variant type: Deletion.
Coding change: c.208_209del on transcript NM_000535.7 (MANE Select); coding-DNA positions 208 to 209, 2 bases deleted (GA; older notation c.208_209delGA).
Protein change: p.Asp70fs; shifts the reading frame from aspartic acid 70.
Molecular consequence: frameshift variant. On other transcripts: 5 prime UTR variant (11), non-coding transcript variant (1).
Genome position (GRCh38, 1-based): chr7:6,004,013-6,004,014, TC deleted on the plus strand (GA on the coding strand, the reverse complement: PMS2 is on the minus strand); deleting any 2 consecutive bases within chr7:6,004,013-6,004,015 gives the same sequence; the c. name uses the placement nearest the transcript's 3' end. VCF-style (leftmost placement, unchanged base first): chr7-6004012-GTC-G. GRCh37 (hg19) VCF-style: chr7-6043643-GTC-G.
Other names: c.-199_-198delAG (NM_001018040.1, NM_001406887.1, NM_001406891.1 and 8 more transcripts); c.-198_-197del (NM_001322003.2, NM_001322004.2, NM_001322005.2 and 3 more transcripts); c.208_209del, p.Asp70fs (NM_001322006.2, NM_001322014.2); c.-8_-7del (NM_001322007.2, NM_001322008.2); c.-677_-676del (NM_001322011.2, NM_001322012.2); c.-277_-276del (NM_001322015.2); c.393_394delAG, p.Asp132Glnfs (NM_001406866.1); c.207_208delAG, p.Asp70Glnfs (NM_001406868.1, NM_001406869.1, NM_001406870.1 and 8 more transcripts); and 7 more; short protein forms D70fs.
Identifiers: ClinVar variation 1785551 (VCV001785551.2), dbSNP rs2536515054, ClinGen allele CA2580077029.